The following is an entry in ClinVar:

NM_004946.3(DOCK2):c.4319A>G (p.Gln1440Arg)

Gene: DOCK2 (dedicator of cytokinesis 2; plus strand). Cytogenetic location: 5q35.1.
Variant type: single nucleotide variant.
Coding change: c.4319A>G on transcript NM_004946.3 (MANE Select); coding-DNA position 4319, A replaced by G.
Protein change: p.Gln1440Arg; replaces glutamine 1440 with arginine.
Molecular consequence: missense variant. On other transcripts: non-coding transcript variant (1).
Genome position (GRCh38, 1-based): chr5:170,056,707, A>G. VCF-style: chr5-170056707-A-G. GRCh37 (hg19) VCF-style: chr5-169483711-A-G.
Other names: short protein forms Q1440R.
Identifiers: ClinVar variation 1394148 (VCV001394148.8), dbSNP rs2113858217, ClinGen allele CA362110649.
Genomic context (GRCh38, chr5:170,056,707, plus strand): 5'-TGGCTACCAGGAGCCTCAGCCTCTTCCTGTCTTTCAGCTTCTACAAATCCAACTACGTGC[A>G]AAGGTTCCACTACTCCCGGCCCGTGCGCAGGGGGACCGTAGACCCAGAGAATGAGTTTGC-3'
Protein context (NP_004937.1, residues 1430-1450): IINFYKSNYV[Gln1440Arg]RFHYSRPVRR

ClinVar aggregate classification (germline): Uncertain significance (1 of 4 stars; one submission).

Conditions:
DOCK2 deficiency. Also called: Immunodeficiency 40. Identifiers: Orphanet 447737, MedGen C4225328, MONDO:0014637, OMIM 616433.

Allele frequency attached by ClinVar (database versions not stated): gnomAD exomes below 0.00001.
gnomAD v4.1: 4 of 1,614,084 alleles (0.00025%); highest among the groups gnomAD compares: Non-Finnish European, 0.00034%; no homozygotes.

Submission:

Labcorp Genetics (formerly Invitae), Labcorp
Classification: Uncertain significance for DOCK2 deficiency. Last evaluated: 2024-07-29. Review status: criteria provided, single submitter. Criteria: Invitae Variant Classification Sherloc (09022015). Collection method: clinical testing. Allele origin: germline.
Comment: This sequence change replaces glutamine, which is neutral and polar, with arginine, which is basic and polar, at codon 1440 of the DOCK2 protein (p.Gln1440Arg). This variant is not present in population databases (gnomAD no frequency). This variant has not been reported in the literature in individuals affected with DOCK2-related conditions. ClinVar contains an entry for this variant (Variation ID: 1394148). An algorithm developed to predict the effect of missense changes on protein structure and function (PolyPhen-2) suggests that this variant is likely to be disruptive. In summary, the available evidence is currently insufficient to determine the role of this variant in disease. Therefore, it has been classified as a Variant of Uncertain Significance.